The following is an entry in ClinVar:

ClinVar aggregate classification (germline): Uncertain significance (1 of 4 stars; one submission).

Conditions:
DNA ligase IV deficiency. Identifiers: Orphanet 99812, MedGen C1847827, MONDO:0011686, OMIM 606593.

Allele frequency attached by ClinVar (database versions not stated): gnomAD exomes 0.00001.
gnomAD v4.1: 4 of 1,613,912 alleles (0.00025%); highest among the groups gnomAD compares: Non-Finnish European, 0.00025%; no homozygotes.

Submission:

Labcorp Genetics (formerly Invitae), Labcorp
Classification: Uncertain significance for DNA ligase IV deficiency. Last evaluated: 2021-12-14. Review status: criteria provided, single submitter. Criteria: Invitae Variant Classification Sherloc (09022015). Collection method: clinical testing. Allele origin: germline.
Comment: Algorithms developed to predict the effect of missense changes on protein structure and function output the following: SIFT: "Tolerated"; PolyPhen-2: "Benign"; Align-GVGD: "Class C0". The aspartic acid amino acid residue is found in multiple mammalian species, which suggests that this missense change does not adversely affect protein function. This sequence change replaces asparagine, which is neutral and polar, with aspartic acid, which is acidic and polar, at codon 297 of the LIG4 protein (p.Asn297Asp). This variant is not present in population databases (gnomAD no frequency). This variant has not been reported in the literature in individuals affected with LIG4-related conditions. In summary, the available evidence is currently insufficient to determine the role of this variant in disease. Therefore, it has been classified as a Variant of Uncertain Significance.

NM_206937.2(LIG4):c.889A>G (p.Asn297Asp)

Gene: LIG4 (DNA ligase 4; minus strand). Cytogenetic location: 13q33.3.
Variant type: single nucleotide variant.
Coding change: c.889A>G on transcript NM_206937.2 (MANE Select); coding-DNA position 889, A replaced by G.
Protein change: p.Asn297Asp; replaces asparagine 297 with aspartic acid.
Molecular consequence: missense variant.
Genome position (GRCh38, 1-based): chr13:108,210,380, T>C on the plus strand (A>G on the coding strand, the complement: LIG4 is on the minus strand). VCF-style: chr13-108210380-T-C. GRCh37 (hg19) VCF-style: chr13-108862728-T-C.
Other names: c.889A>G, p.Asn297Asp (NM_001098268.2, NM_001352598.2, NM_001352599.2 and 6 more transcripts); c.688A>G, p.Asn230Asp (NM_001330595.2); c.925A>G, p.Asn309Asp (NM_001352604.2); short protein forms N230D, N297D, N309D.
Identifiers: ClinVar variation 2042621 (VCV002042621.4), dbSNP rs2501613319, ClinGen allele CA388619397.